The following is an entry in ClinVar:

ClinVar aggregate classification (germline): Uncertain significance (1 of 4 stars; one submission).

Conditions:
Cowden syndrome 7 (CWS7). Identifiers: Orphanet 201, MedGen C4225179, MONDO:0014802, OMIM 616858.

Allele frequency attached by ClinVar (database versions not stated): TOPMed below 0.00001; gnomAD 0.00001; gnomAD exomes 0.00001.
gnomAD v4.1: 17 of 1,614,050 alleles (0.0011%); highest among the groups gnomAD compares: South Asian, 0.0033%; no homozygotes.

Submission:

Neuberg Centre For Genomic Medicine, NCGM
Classification: Uncertain significance for Cowden syndrome 7. Review status: criteria provided, single submitter. Criteria: ACMG Guidelines, 2015. Collection method: clinical testing. Allele origin: germline. Inheritance: Autosomal dominant inheritance. Affected: yes.
Comment: The missense c.2035G>A (p.Glu679Lys) variant in SEC23B gene has not been reported previously as a pathogenic variant nor as a benign variant, to our knowledge. The p.Glu679Lys variant is observed in 0.0003% alleles in gnomAD Exomes and is novel (not in any individuals) in 1000 Genomes. The amino acid Glu at position 679 is changed to a Lys changing protein sequence and it might alter its composition and physico-chemical properties. The amino acid change p.Glu679Lys in SEC23B is predicted as conserved by GERP++ and PhyloP across 100 vertebrates. For these reasons, this variant has been classified as Uncertain significance.

NM_006363.6(SEC23B):c.2035G>A (p.Glu679Lys)

Gene: SEC23B (SEC23 homolog B, COPII coat complex component; plus strand). Cytogenetic location: 20p11.23.
Variant type: single nucleotide variant.
Coding change: c.2035G>A on transcript NM_006363.6 (MANE Select); coding-DNA position 2035, G replaced by A.
Protein change: p.Glu679Lys; replaces glutamic acid 679 with lysine.
Molecular consequence: missense variant.
Genome position (GRCh38, 1-based): chr20:18,554,277, G>A. VCF-style: chr20-18554277-G-A. GRCh37 (hg19) VCF-style: chr20-18534921-G-A.
Other names: c.2035G>A, p.Glu679Lys (NM_001172745.3, NM_032985.6, NM_032986.5); c.1981G>A, p.Glu661Lys (NM_001172746.3); short protein forms E661K, E679K.
Identifiers: ClinVar variation 2627986 (VCV002627986.1), dbSNP rs1459864187, ClinGen allele CA408366392.